The following is an entry in ClinVar:

ClinVar aggregate classification (germline): Uncertain significance. Review status: criteria provided, multiple submitters, no conflicts (2 of 4 stars). 2 submissions from 2 submitters: Uncertain significance (2). Last evaluated 2025-07-08.

Conditions:
Intellectual disability, autosomal recessive 53 (NEDHSCA). Also called: GLYCOSYLPHOSPHATIDYLINOSITOL BIOSYNTHESIS DEFECT 13; Mental retardation, autosomal recessive 53; NEURODEVELOPMENTAL DISORDER WITH OR WITHOUT HYPOTONIA, SEIZURES, AND CEREBELLAR ATROPHY. Identifiers: Orphanet 488635, MedGen C4310794, MONDO:0014832, OMIM 616917.

gnomAD v4.1: 29 of 1,613,378 alleles (0.0018%); highest among the groups gnomAD compares: Non-Finnish European, 0.0022%; no homozygotes.

Submissions (2):

GeneDx
Classification: Uncertain significance. Last evaluated: 2025-07-08. Review status: criteria provided, single submitter. Criteria: GeneDx Variant Classification Process June 2021. Collection method: clinical testing. Allele origin: germline. Affected: yes.
Comment: Not observed at significant frequency in large population cohorts (gnomAD); In silico analysis supports that this missense variant has a deleterious effect on protein structure/function; Has not been previously published as pathogenic or benign to our knowledge

Labcorp Genetics (formerly Invitae), Labcorp
Classification: Uncertain significance for Intellectual disability, autosomal recessive 53. Last evaluated: 2024-12-12. Review status: criteria provided, single submitter. Criteria: Invitae Variant Classification Sherloc (09022015). Collection method: clinical testing. Allele origin: germline.
Comment: This sequence change replaces aspartic acid, which is acidic and polar, with tyrosine, which is neutral and polar, at codon 786 of the PIGG protein (p.Asp786Tyr). This variant is present in population databases (rs773034449, gnomAD 0.004%). This variant has not been reported in the literature in individuals affected with PIGG-related conditions. Invitae Evidence Modeling of protein sequence and biophysical properties (such as structural, functional, and spatial information, amino acid conservation, physicochemical variation, residue mobility, and thermodynamic stability) indicates that this missense variant is not expected to disrupt PIGG protein function with a negative predictive value of 80%. In summary, the available evidence is currently insufficient to determine the role of this variant in disease. Therefore, it has been classified as a Variant of Uncertain Significance.

NM_001127178.3(PIGG):c.2356G>T (p.Asp786Tyr)

Gene: PIGG (phosphatidylinositol glycan anchor biosynthesis class G (EMM blood group); plus strand). Cytogenetic location: 4p16.3.
Variant type: single nucleotide variant.
Coding change: c.2356G>T on transcript NM_001127178.3 (MANE Select); coding-DNA position 2356, G replaced by T.
Protein change: p.Asp786Tyr; replaces aspartic acid 786 with tyrosine.
Molecular consequence: missense variant. On other transcripts: non-coding transcript variant (6).
Genome position (GRCh38, 1-based): chr4:530,530, G>T. VCF-style: chr4-530530-G-T. GRCh37 (hg19) VCF-style: chr4-524319-G-T.
Other names: c.2089G>T, p.Asp697Tyr (NM_001289051.2, NM_001345986.2); c.1957G>T, p.Asp653Tyr (NM_001289052.2); c.2065G>T, p.Asp689Tyr (NM_001345987.2); c.1327G>T, p.Asp443Tyr (NM_001345988.2); c.823G>T, p.Asp275Tyr (NM_001345990.2, NM_001345991.2); c.1258G>T, p.Asp420Tyr (NM_001345994.2); c.2332G>T, p.Asp778Tyr (NM_017733.5); c.2356G>T (NM_001127178.2); short protein forms D653Y, D420Y, D443Y, D697Y, D778Y, D275Y, D786Y, D689Y.
Identifiers: ClinVar variation 3635774 (VCV003635774.3).